The following is an entry in ClinVar:

NM_000061.3(BTK):c.1118T>A (p.Leu373His)

Gene: BTK (Bruton tyrosine kinase; minus strand). Cytogenetic location: Xq22.1.
Variant type: single nucleotide variant.
Coding change: c.1118T>A on transcript NM_000061.3 (MANE Select); coding-DNA position 1118, T replaced by A.
Protein change: p.Leu373His; replaces leucine 373 with histidine.
Molecular consequence: missense variant. On other transcripts: intron variant (1).
Genome position (GRCh38, 1-based): chrX:101,357,568, A>T on the plus strand (T>A on the coding strand, the complement: BTK is on the minus strand). VCF-style: chrX-101357568-A-T. GRCh37 (hg19) VCF-style: chrX-100612556-A-T.
Other names: c.1220T>A, p.Leu407His (NM_001287344.2); c.1038+806T>A (NM_001287345.2); short protein forms L373H, L407H.
Identifiers: ClinVar variation 4856307 (VCV004856307.1).

ClinVar aggregate classification (germline): Uncertain significance (1 of 4 stars; one submission).

Conditions:
X-linked agammaglobulinemia (XLA). Also called: IMMUNODEFICIENCY 1; Agammaglobulinemia, Bruton tyrosine kinase; Agammaglobulinemia, BTK; BTK-deficiency; Bruton-type agammaglobulinemia; Bruton's agammaglobulinemia. Identifiers: Orphanet 229717, Orphanet 47, MedGen C0221026, MONDO:0010421, OMIM 300755.

Submission:

3billion
Classification: Uncertain significance for X-linked agammaglobulinemia. Last evaluated: 2025-10-31. Review status: criteria provided, single submitter. Criteria: ACMG Guidelines, 2015. Collection method: clinical testing. Allele origin: germline. Affected: yes.
Comment: The variant is not observed in the gnomAD v4.1.0 dataset. Predicted Consequence/Location: Missense variant In silico tool predictions suggest damaging effect of the variant on gene or gene product [REVEL: 0.97 (>=0.6, sensitivity 0.68 and specificity 0.92); 3Cnet: 0.99 (> 0.75, sensitivity 0.96 and precision 0.92)]. Different missense changes at the same codon (p.Leu373Ile, p.Leu373Val) have been reported to be associated with BTK-related disorder (PMID: 25142992, 25316352). However the evidence of pathogenicity is insufficient at this time. Therefore, this variant is classified as VUS according to the recommendation of ACMG/AMP guideline.

Literature cited by the submitters: PubMed 25142992.